The following is an entry in ClinVar:

ClinVar aggregate classification (germline): Uncertain significance (1 of 4 stars; one submission).

Conditions:
Birt-Hogg-Dube syndrome. Also called: Birt Hogg Dubé syndrome. Identifiers: Orphanet 122, MedGen C0346010, MONDO:0800444.

Submission:

Labcorp Genetics (formerly Invitae), Labcorp
Classification: Uncertain significance for Birt-Hogg-Dube syndrome. Last evaluated: 2022-03-15. Review status: criteria provided, single submitter. Criteria: Invitae Variant Classification Sherloc (09022015). Collection method: clinical testing. Allele origin: germline.
Comment: In summary, the available evidence is currently insufficient to determine the role of this variant in disease. Therefore, it has been classified as a Variant of Uncertain Significance. Algorithms developed to predict the effect of missense changes on protein structure and function (SIFT, PolyPhen-2, Align-GVGD) all suggest that this variant is likely to be disruptive. This variant has not been reported in the literature in individuals affected with FLCN-related conditions. This variant is not present in population databases (gnomAD no frequency). This sequence change replaces valine, which is neutral and non-polar, with isoleucine, which is neutral and non-polar, at codon 121 of the FLCN protein (p.Val121Ile).

NM_144997.7(FLCN):c.361G>A (p.Val121Ile)

Gene: FLCN (folliculin; minus strand). Cytogenetic location: 17p11.2.
Variant type: single nucleotide variant.
Coding change: c.361G>A on transcript NM_144997.7 (MANE Select); coding-DNA position 361, G replaced by A.
Protein change: p.Val121Ile; replaces valine 121 with isoleucine.
Molecular consequence: missense variant.
Genome position (GRCh38, 1-based): chr17:17,226,211, C>T on the plus strand (G>A on the coding strand, the complement: FLCN is on the minus strand). VCF-style: chr17-17226211-C-T. GRCh37 (hg19) VCF-style: chr17-17129525-C-T.
Other names: c.361G>A, p.Val121Ile (NM_001353229.2, NM_001353230.2, NM_001353231.2 and 1 more transcripts); short protein forms V121I.
Identifiers: ClinVar variation 2112553 (VCV002112553.4), dbSNP rs2544280411, ClinGen allele CA398534749.
Genomic context (GRCh38, chr17:17,226,211, plus strand): 5'-CAGGCTCTGTGGCCACAAGGCTCACCTCACAGCTCAGGCTCCGGACACAGGCCTGGCGGA[C>T]AATGCTGAAGAGCTGGGGGTGGCTGGGGTGCTGGTGGCTGACGTATTTAATGGAGGTCTC-3'
Protein context (NP_659434.2, residues 111-131): HPSHPQLFSI[Val121Ile]RQACVRSLSC